The following is an entry in ClinVar:

ClinVar aggregate classification (germline): Uncertain significance (1 of 4 stars; one submission).

Allele frequency attached by ClinVar (database versions not stated): TOPMed 0.00007; gnomAD 0.00008; ExAC 0.00010; gnomAD exomes 0.00010; ESP Exome Variant Server 0.00031.
gnomAD v4.1: 170 of 1,613,972 alleles (0.011%); highest among the groups gnomAD compares: East Asian, 0.013%; no homozygotes.

Submissions (2):

Labcorp Genetics (formerly Invitae), Labcorp
Classification: Uncertain significance. Last evaluated: 2025-10-06. Review status: criteria provided, single submitter. Criteria: Invitae Variant Classification Sherloc (09022015). Collection method: clinical testing. Allele origin: germline.
Comment: This sequence change replaces lysine, which is basic and polar, with glutamine, which is neutral and polar, at codon 263 of the P4HB protein (p.Lys263Gln). This variant is present in population databases (rs145146947, gnomAD 0.03%). This variant has not been reported in the literature in individuals affected with P4HB-related conditions. ClinVar contains an entry for this variant (Variation ID: 2162703). Invitae Evidence Modeling of protein sequence and biophysical properties (such as structural, functional, and spatial information, amino acid conservation, physicochemical variation, residue mobility, and thermodynamic stability) indicates that this missense variant is not expected to disrupt P4HB protein function with a negative predictive value of 80%. Algorithms developed to predict the effect of sequence changes on RNA splicing suggest that this variant may disrupt the consensus splice site. In summary, the available evidence is currently insufficient to determine the role of this variant in disease. Therefore, it has been classified as a Variant of Uncertain Significance.

Dr. Peter K. Rogan Lab, Western University
No classification provided (evidence only). Condition: Cholangiocarcinoma. Review status: no classification provided. Collection method: in vitro. Allele origin: not applicable. Functional consequence: retained intron. Not counted in ClinVar's aggregate classification.

NM_000918.4(P4HB):c.787A>C (p.Lys263Gln)

Gene: P4HB (prolyl 4-hydroxylase subunit beta; minus strand). Cytogenetic location: 17q25.3.
Variant type: single nucleotide variant.
Coding change: c.787A>C on transcript NM_000918.4 (MANE Select); coding-DNA position 787, A replaced by C.
Protein change: p.Lys263Gln; replaces lysine 263 with glutamine.
Molecular consequence: missense variant.
Genome position (GRCh38, 1-based): chr17:81,847,015, T>G on the plus strand (A>C on the coding strand, the complement: P4HB is on the minus strand). VCF-style: chr17-81847015-T-G. GRCh37 (hg19) VCF-style: chr17-79804891-T-G.
Other names: short protein forms K263Q.
Identifiers: ClinVar variation 2162703 (VCV002162703.5), dbSNP rs145146947, ClinGen allele CA8842843.
Genomic context (GRCh38, chr17:81,847,015, plus strand): 5'-TGAAGCTCTCGGCTGCTGTTTTGAAGTTGCTCAGTTTGCCGTCATAGTCAGACACACTCT[T>G]GGGCAAGAACAGCAGGATGTGAGTCTTGATTTCACCTCCAAAAATCTTCGGGGCTGTCTG-3'
Protein context (NP_000909.2, residues 253-273): IKTHILLFLP[Lys263Gln]SVSDYDGKLS